The following is an entry in ClinVar:

ClinVar aggregate classification (germline): Benign. Review status: criteria provided, multiple submitters, no conflicts (2 of 4 stars). 7 submissions from 7 submitters: Benign (6). 1 of the submissions does not count toward it. Last evaluated 2026-01-29.

Conditions:
Congenital lactic acidosis, Saguenay-Lac-Saint-Jean type (MC4DN5). Also called: MITOCHONDRIAL COMPLEX IV DEFICIENCY, NUCLEAR TYPE 5; CYTOCHROME c OXIDASE DEFICIENCY, FRENCH CANADIAN TYPE; COX DEFICIENCY, FRENCH CANADIAN TYPE. Identifiers: Orphanet 70472, MedGen C1857355, MONDO:0009069, OMIM 220111.

Allele frequency attached by ClinVar (database versions not stated): ESP Exome Variant Server 0.00046; gnomAD exomes 0.00156 and 0.00776; gnomAD 0.00249 and 0.00250; 1000 Genomes Project 0.00280; 1000 Genomes Project 30x 0.00359; TOPMed 0.00504; ExAC 0.00620.
gnomAD v4.1: 2,646 of 1,613,008 alleles (0.16%); highest among the groups gnomAD compares: Admixed American, 4%; 67 homozygotes.

Submissions (7):

Labcorp Genetics (formerly Invitae), Labcorp
Classification: Benign. Last evaluated: 2026-01-29. Review status: criteria provided, single submitter. Criteria: Invitae Variant Classification Sherloc (09022015). Collection method: clinical testing. Allele origin: germline.

ARUP Laboratories, Molecular Genetics and Genomics, ARUP Laboratories
Classification: Benign for Congenital lactic acidosis, Saguenay-Lac-Saint-Jean type. Last evaluated: 2023-09-06. Review status: criteria provided, single submitter. Criteria: ARUP Molecular Germline Variant Investigation Process 2024. Collection method: clinical testing. Allele origin: germline.

Mayo Clinic Laboratories, Mayo Clinic
Classification: Benign. Last evaluated: 2021-11-29. Review status: criteria provided, single submitter. Criteria: ACMG Guidelines, 2015. Collection method: clinical testing. Allele origin: germline. Observed: 15 variant alleles.

Illumina Laboratory Services, Illumina
Classification: Benign for Congenital lactic acidosis, Saguenay-Lac-Saint-Jean type. Last evaluated: 2018-01-13. Review status: criteria provided, single submitter. Criteria: ICSL Variant Classification Criteria 13 December 2019. Collection method: clinical testing. Allele origin: germline.
Comment: This variant was observed in the ICSL laboratory as part of a predisposition screen in an ostensibly healthy population. It had not been previously curated by ICSL or reported in the Human Gene Mutation Database (HGMD: prior to June 1st, 2018), and was therefore a candidate for classification through an automated scoring system. Utilizing variant allele frequency, disease prevalence and penetrance estimates, and inheritance mode, an automated score was calculated to assess if this variant is too frequent to cause the disease. Based on the score and internal cut-off values, a variant classified as benign is not then subjected to further curation. The score for this variant resulted in a classification of benign for this disease.

GeneDx
Classification: Benign. Last evaluated: 2013-11-02. Review status: criteria provided, single submitter. Criteria: GeneDx Variant Classification (06012015). Collection method: clinical testing. Allele origin: germline. Affected: yes.
Comment: This variant is considered likely benign or benign based on one or more of the following criteria: it is a conservative change, it occurs at a poorly conserved position in the protein, it is predicted to be benign by multiple in silico algorithms, and/or has population frequency not consistent with disease.

Breakthrough Genomics
Classification: Benign. Review status: criteria provided, single submitter. Criteria: ACMG Guidelines, 2015. Collection method: not provided. Allele origin: germline. Inheritance: Autosomal recessive inheritance. Affected: yes.

Natera, Inc.
Classification: Benign for French-Canadian type Leigh syndrome. Last evaluated: 2020-09-16. Review status: no assertion criteria provided. Collection method: clinical testing. Allele origin: germline. Not counted in ClinVar's aggregate classification.

NM_133259.4(LRPPRC):c.2325A>G (p.Lys775=)

Gene: LRPPRC (leucine rich pentatricopeptide repeat containing; minus strand). Cytogenetic location: 2p21.
Variant type: single nucleotide variant.
Coding change: c.2325A>G on transcript NM_133259.4 (MANE Select); coding-DNA position 2325, A replaced by G.
Protein change: p.Lys775=; no amino-acid change (lysine 775 retained).
Molecular consequence: synonymous variant.
Genome position (GRCh38, 1-based): chr2:43,943,866, T>C on the plus strand (A>G on the coding strand, the complement: LRPPRC is on the minus strand). VCF-style: chr2-43943866-T-C. GRCh37 (hg19) VCF-style: chr2-44171005-T-C.
Other names: p.K775K:AAA>AAG; p.Lys775=.
Identifiers: ClinVar variation 138145 (VCV000138145.26), dbSNP rs139634347, ClinGen allele CA291974.
Genomic context (GRCh38, chr2:43,943,866, plus strand): 5'-GCCATTTAGCATGTGGAAAAAGGACAAGGCTGTTGTATCTTTGATAAGAACATCCTTCTC[T>C]TTCATCTCCTTCAGAATGTTAATAGCATCTACAATGAAGTAACACAAAAGACCCTTAGGT-3'
Protein context (NP_573566.2, residues 765-785): QDAINILKEM[Lys775=]EKDVLIKDTT